The following is an entry in ClinVar:

ClinVar aggregate classification (germline): Uncertain significance. Review status: criteria provided, multiple submitters, no conflicts (2 of 4 stars). 2 submissions from 2 submitters: Uncertain significance (2). Last evaluated 2023-07-06.

Conditions:
Tuberous sclerosis 2 (TSC2). Identifiers: Orphanet 805, MedGen C1860707, MONDO:0013199, OMIM 613254.
Hereditary cancer-predisposing syndrome. Also called: Neoplastic Syndromes, Hereditary; Hereditary neoplastic syndrome; Tumor predisposition; Hereditary Cancer Syndrome. Identifiers: Orphanet 140162, MedGen C0027672, MeSH D009386, MONDO:0015356.

Allele frequency attached by ClinVar (database versions not stated): gnomAD exomes below 0.00001.
gnomAD v4.1: 6 of 1,613,176 alleles (0.00037%); highest among the groups gnomAD compares: South Asian, 0.0055%; no homozygotes.

Submissions (2):

Ambry Genetics
Classification: Uncertain significance for Hereditary cancer-predisposing syndrome. Last evaluated: 2023-07-06. Review status: criteria provided, single submitter. Criteria: Ambry Variant Classification Scheme 2023. Collection method: clinical testing. Allele origin: germline.

Labcorp Genetics (formerly Invitae), Labcorp
Classification: Uncertain significance for Tuberous sclerosis 2. Last evaluated: 2022-11-15. Review status: criteria provided, single submitter. Criteria: Invitae Variant Classification Sherloc (09022015). Collection method: clinical testing. Allele origin: germline.
Comment: In summary, the available evidence is currently insufficient to determine the role of this variant in disease. Therefore, it has been classified as a Variant of Uncertain Significance. Advanced modeling of protein sequence and biophysical properties (such as structural, functional, and spatial information, amino acid conservation, physicochemical variation, residue mobility, and thermodynamic stability) performed at Invitae indicates that this missense variant is not expected to disrupt TSC2 protein function. This variant has not been reported in the literature in individuals affected with TSC2-related conditions. This variant is not present in population databases (gnomAD no frequency). This sequence change replaces aspartic acid, which is acidic and polar, with asparagine, which is neutral and polar, at codon 817 of the TSC2 protein (p.Asp817Asn).

NM_000548.5(TSC2):c.2449G>A (p.Asp817Asn)

Gene: TSC2 (TSC complex subunit 2; plus strand). Cytogenetic location: 16p13.3.
Variant type: single nucleotide variant.
Coding change: c.2449G>A on transcript NM_000548.5 (MANE Select); coding-DNA position 2449, G replaced by A.
Protein change: p.Asp817Asn; replaces aspartic acid 817 with asparagine.
Molecular consequence: missense variant.
Genome position (GRCh38, 1-based): chr16:2,074,293, G>A. VCF-style: chr16-2074293-G-A. GRCh37 (hg19) VCF-style: chr16-2124294-G-A.
Other names: c.1105G>A, p.Asp369Asn (NM_001406697.1, NM_001406691.1, NM_001406692.1 and 6 more transcripts); c.847G>A, p.Asp283Asn (NM_001406698.1); c.2449G>A, p.Asp817Asn (NM_021055.3, NM_001077183.3, NM_001114382.3 and 6 more transcripts); c.2338G>A, p.Asp780Asn (NM_001318827.2, NM_001406670.1, NM_001406678.1); c.2302G>A, p.Asp768Asn (NM_001318829.2, NM_001406675.1, NM_001406676.1 and 1 more transcripts); c.1849G>A, p.Asp617Asn (NM_001318831.2, NM_001406680.1, NM_001406682.1 and 6 more transcripts); c.2482G>A, p.Asp828Asn (NM_001318832.2); c.2539G>A, p.Asp847Asn (NM_001406667.1, NM_001406668.1); and 3 more; short protein forms D369N, D817N, D828N, D847N, D283N, D617N, D663N, D798N.
Identifiers: ClinVar variation 1943093 (VCV001943093.7), dbSNP rs2151351717, ClinGen allele CA394277450.